The following is an entry in ClinVar:

ClinVar aggregate classification (germline): Pathogenic/Likely pathogenic. Review status: criteria provided, multiple submitters, no conflicts (2 of 4 stars). 5 submissions from 5 submitters: Pathogenic (2); Likely pathogenic (1). 2 of the submissions do not count toward it. Last evaluated 2024-05-08.

Conditions:
Jeune thoracic dystrophy. Also called: Short-rib thoracic dysplasia; Jeune syndrome; Infantile thoracic dystrophy; Thoracic pelvic phalangeal dystrophy; Jeune's syndrome; Chondroectodermal dysplasia-like syndrome. Identifiers: Orphanet 474, MedGen C0265275, MONDO:0018770.
Asphyxiating thoracic dystrophy 3. Also called: SHORT-RIB THORACIC DYSPLASIA 3 WITH OR WITHOUT POLYDACTYLY; POLYDACTYLY WITH NEONATAL CHONDRODYSTROPHY, TYPE I; SHORT-RIB THORACIC DYSPLASIA 3/6 WITH POLYDACTYLY, DIGENIC; Saldino-Noonan Syndrome; Short rib polydactyly syndrome 2B. Identifiers: Orphanet 474, Orphanet 93269, Orphanet 93270, Orphanet 93271, MedGen C0036069, MONDO:0013127, OMIM 613091.

Allele frequency attached by ClinVar (database versions not stated): gnomAD 0.00001; ExAC 0.00002; gnomAD exomes 0.00001; TOPMed 0.00001.
gnomAD v4.1: 14 of 1,610,134 alleles (0.00087%); highest among the groups gnomAD compares: Non-Finnish European, 0.0012%; no homozygotes.

Submissions (5):

Fulgent Genetics
Classification: Likely pathogenic for Asphyxiating thoracic dystrophy 3. Last evaluated: 2024-05-08. Review status: criteria provided, single submitter. Criteria: ACMG Guidelines, 2015. Collection method: clinical testing. Allele origin: germline.

Myriad Genetics, Inc.
Classification: Pathogenic for Asphyxiating thoracic dystrophy 3. Last evaluated: 2024-04-24. Review status: criteria provided, single submitter. Criteria: Myriad Autosomal Dominant, Autosomal Recessive and X-Linked Classification Criteria (2023). Collection method: clinical testing. Allele origin: unknown.
Comment: NM_001377.2(DYNC2H1):c.8050G>T(G2684*) is expected to be pathogenic in the context of DYNC2H1-related disorders. This variant is predicted to lead to an abnormal or absent protein product due to the creation of a premature termination codon in DYNC2H1, a gene where loss-of-function variants are known to be pathogenic. Please note: this variant was assessed in the context of healthy population screening.

Labcorp Genetics (formerly Invitae), Labcorp
Classification: Pathogenic for Jeune thoracic dystrophy. Last evaluated: 2024-01-09. Review status: criteria provided, single submitter. Criteria: Invitae Variant Classification Sherloc (09022015). Collection method: clinical testing. Allele origin: germline.
Comment: This sequence change creates a premature translational stop signal (p.Gly2684*) in the DYNC2H1 gene. It is expected to result in an absent or disrupted protein product. Loss-of-function variants in DYNC2H1 are known to be pathogenic (PMID: 23339108, 32753734, 33755199). This variant is present in population databases (rs747857715, gnomAD 0.002%). This premature translational stop signal has been observed in individual(s) with clinical features of DYNC2H1-related conditions (PMID: 29068549). ClinVar contains an entry for this variant (Variation ID: 446607). For these reasons, this variant has been classified as Pathogenic.

Dan Cohn Lab, University Of California Los Angeles
Classification: Pathogenic for Asphyxiating thoracic dystrophy 3. Last evaluated: 2017-06-01. Review status: no assertion criteria provided. Collection method: research. Allele origin: unknown. Affected: yes. Not counted in ClinVar's aggregate classification.

University of Washington Center for Mendelian Genomics, University of Washington
Classification: Likely pathogenic for Asphyxiating thoracic dystrophy 3. Review status: no assertion criteria provided. Collection method: research. Allele origin: inherited. Affected: yes. Not counted in ClinVar's aggregate classification.

Literature cited by the submitters: PubMed 23339108 (cited by Labcorp Genetics (formerly Invitae), Labcorp); PubMed 32753734 (cited by Labcorp Genetics (formerly Invitae), Labcorp); PubMed 33755199 (cited by Labcorp Genetics (formerly Invitae), Labcorp); PubMed 29068549 (cited by 3 submitters).

NM_001377.3(DYNC2H1):c.8050G>T (p.Gly2684Ter)

Gene: DYNC2H1 (dynein cytoplasmic 2 heavy chain 1; plus strand). Cytogenetic location: 11q22.3.
Variant type: single nucleotide variant.
Coding change: c.8050G>T on transcript NM_001377.3 (MANE Select); coding-DNA position 8050, G replaced by T.
Protein change: p.Gly2684Ter; replaces glycine 2684 with a stop codon.
Molecular consequence: nonsense.
Genome position (GRCh38, 1-based): chr11:103,199,438, G>T. VCF-style: chr11-103199438-G-T. GRCh37 (hg19) VCF-style: chr11-103070167-G-T.
Other names: c.8050G>T, p.Gly2684Ter (NM_001080463.2); short protein forms G2684*.
Identifiers: ClinVar variation 446607 (VCV000446607.9), dbSNP rs747857715, ClinGen allele CA6254376.
Genomic context (GRCh38, chr11:103,199,438, plus strand): 5'-ATCACTTCTTTAGTCAGTCACATGCATGGAGCGGTCCTGTTTTCTCCAAAGATTTCCAGA[G>T]GATATGAACTGAAGCAGTTCAAAAATGATCTCAAACATGTGAGTTGCCCACTCTCTTTTG-3'